The following is an entry in ClinVar:

ClinVar aggregate classification (germline): Uncertain significance (1 of 4 stars; one submission).

Conditions:
Nemaline myopathy 8 (NEM8). Also called: Nemaline myopathy 8, autosomal recessive. Identifiers: Orphanet 171430, MedGen C3809209, MONDO:0014138, OMIM 615348.

gnomAD v4.1: 1 of 1,553,436 alleles (0.000064%); highest among the groups gnomAD compares: Non-Finnish European, 0.000087%; no homozygotes.

Submission:

Labcorp Genetics (formerly Invitae), Labcorp
Classification: Uncertain significance for Nemaline myopathy 8. Last evaluated: 2022-06-30. Review status: criteria provided, single submitter. Criteria: Invitae Variant Classification Sherloc (09022015). Collection method: clinical testing. Allele origin: germline.
Comment: In summary, the available evidence is currently insufficient to determine the role of this variant in disease. Therefore, it has been classified as a Variant of Uncertain Significance. Algorithms developed to predict the effect of missense changes on protein structure and function are either unavailable or do not agree on the potential impact of this missense change (SIFT: "Deleterious"; PolyPhen-2: "Benign"; Align-GVGD: "Class C0"). This variant has not been reported in the literature in individuals affected with KLHL40-related conditions. This variant is not present in population databases (gnomAD no frequency). This sequence change replaces alanine, which is neutral and non-polar, with proline, which is neutral and non-polar, at codon 207 of the KLHL40 protein (p.Ala207Pro).

NM_152393.4(KLHL40):c.619G>C (p.Ala207Pro)

Gene: KLHL40 (kelch like family member 40; plus strand). Cytogenetic location: 3p22.1.
Variant type: single nucleotide variant.
Coding change: c.619G>C on transcript NM_152393.4 (MANE Select); coding-DNA position 619, G replaced by C.
Protein change: p.Ala207Pro; replaces alanine 207 with proline.
Molecular consequence: missense variant.
Genome position (GRCh38, 1-based): chr3:42,686,237, G>C. VCF-style: chr3-42686237-G-C. GRCh37 (hg19) VCF-style: chr3-42727729-G-C.
Other names: short protein forms A207P.
Identifiers: ClinVar variation 1927887 (VCV001927887.5), dbSNP rs1479459996, ClinGen allele CA352290062.
Genomic context (GRCh38, chr3:42,686,237, plus strand): 5'-AACGTGGAGAAGGAGGAGGCAGTGTTCGAGGCGGTGATGCGGTGGGCGGGTAGCGGCGAC[G>C]CCGAGGCGCAGGCTGAGCGCCAGCGCGCGCTGCCCACCGTCTTCGAGAGCGTGCGCTGCC-3'
Protein context (NP_689606.2, residues 197-217): AVMRWAGSGD[Ala207Pro]EAQAERQRAL